The following is an entry in ClinVar:

NM_004946.3(DOCK2):c.896T>C (p.Ile299Thr)

Genes: DOCK2 (dedicator of cytokinesis 2; plus strand), LOC126807589 (BRD4-independent group 4 enhancer GRCh37_chr5:169122482-169123681; plus strand). Cytogenetic location: 5q35.1.
Variant type: single nucleotide variant.
Coding change: c.896T>C on transcript NM_004946.3 (MANE Select); coding-DNA position 896, T replaced by C.
Protein change: p.Ile299Thr; replaces isoleucine 299 with threonine.
Molecular consequence: missense variant. On other transcripts: non-coding transcript variant (1).
Genome position (GRCh38, 1-based): chr5:169,695,855, T>C. VCF-style: chr5-169695855-T-C. GRCh37 (hg19) VCF-style: chr5-169122859-T-C.
Other names: short protein forms I299T.
Identifiers: ClinVar variation 1987106 (VCV001987106.1), dbSNP rs759245831, ClinGen allele CA3553297.

ClinVar aggregate classification (germline): Uncertain significance (1 of 4 stars; one submission).

Conditions:
DOCK2 deficiency. Also called: Immunodeficiency 40. Identifiers: Orphanet 447737, MedGen C4225328, MONDO:0014637, OMIM 616433.

Allele frequency attached by ClinVar (database versions not stated): gnomAD exomes 0.00001; TOPMed 0.00001; ExAC 0.00002.
gnomAD v4.1: 15 of 1,613,980 alleles (0.00093%); highest among the groups gnomAD compares: Non-Finnish European, 0.0013%; no homozygotes.

Submission:

Labcorp Genetics (formerly Invitae), Labcorp
Classification: Uncertain significance for DOCK2 deficiency. Last evaluated: 2022-10-17. Review status: criteria provided, single submitter. Criteria: Invitae Variant Classification Sherloc (09022015). Collection method: clinical testing. Allele origin: germline.
Comment: This sequence change replaces isoleucine, which is neutral and non-polar, with threonine, which is neutral and polar, at codon 299 of the DOCK2 protein (p.Ile299Thr). This variant is present in population databases (rs759245831, gnomAD 0.003%). This variant has not been reported in the literature in individuals affected with DOCK2-related conditions. Algorithms developed to predict the effect of missense changes on protein structure and function output the following: SIFT: "Tolerated"; PolyPhen-2: "Benign"; Align-GVGD: "Class C0". The threonine amino acid residue is found in multiple mammalian species, which suggests that this missense change does not adversely affect protein function. In summary, the available evidence is currently insufficient to determine the role of this variant in disease. Therefore, it has been classified as a Variant of Uncertain Significance.